The following is an entry in ClinVar:

ClinVar aggregate classification (germline): Uncertain significance (1 of 4 stars; one submission).

Conditions:
Primary ciliary dyskinesia 7. Also called: CILIARY DYSKINESIA, PRIMARY, 7, WITH OR WITHOUT SITUS INVERSUS. Identifiers: Orphanet 244, MedGen C2678473, MONDO:0012748, OMIM 611884.

gnomAD v4.1: 2 of 1,613,648 alleles (0.00012%); highest among the groups gnomAD compares: Non-Finnish European, 0.000085%; no homozygotes.

Submission:

Broad Center for Mendelian Genomics, Broad Institute of MIT and Harvard
Classification: Uncertain significance for Primary ciliary dyskinesia 7. Last evaluated: 2025-02-12. Review status: criteria provided, single submitter. Criteria: ACMG Guidelines, 2015. Collection method: curation. Allele origin: germline. Inheritance: Autosomal recessive inheritance.
Comment: The p.Cys1552Phe variant in DNAH11 has been reported in 1 individual with primary ciliary dyskinesia (PMID: 33577779), and has been identified in 0.00008% (1/1179760) of European (non-Finnish) chromosomes by the Genome Aggregation Database (gnomAD). Although this variant has been seen in the general population in a heterozygous state, its frequency is low enough to be consistent with a recessive carrier frequency. Computational prediction tools, including splice predictors and conservation analyses, suggest that this variant may not impact the protein, though this information is not predictive enough to rule out pathogenicity. In summary, the clinical significance of the p.Cys1552Phe variant is uncertain. ACMG/AMP Criteria applied: BP4, PM2_supporting (Richards 2015).

NM_001277115.2(DNAH11):c.4655G>T (p.Cys1552Phe)

Gene: DNAH11 (dynein axonemal heavy chain 11; plus strand). Cytogenetic location: 7p15.3.
Variant type: single nucleotide variant.
Coding change: c.4655G>T on transcript NM_001277115.2 (MANE Select); coding-DNA position 4655, G replaced by T.
Protein change: p.Cys1552Phe; replaces cysteine 1552 with phenylalanine.
Molecular consequence: missense variant.
Genome position (GRCh38, 1-based): chr7:21,636,025, G>T. VCF-style: chr7-21636025-G-T. GRCh37 (hg19) VCF-style: chr7-21675643-G-T.
Other names: NM_001277115.2:c.4655G>T; short protein forms C1552F.
Identifiers: ClinVar variation 3776921 (VCV003776921.1).